The following is an entry in ClinVar:

ClinVar aggregate classification (germline): Uncertain significance (1 of 4 stars; one submission).

Conditions:
Regional enteritis. Also called: Enteritis, Granulomatous. Identifiers: MedGen C0678202, MeSH D003424.
Blau syndrome (BLAUS). Also called: GRANULOMATOSIS, FAMILIAL JUVENILE SYSTEMIC; GRANULOMATOSIS, FAMILIAL, BLAU TYPE; GRANULOMATOUS INFLAMMATORY ARTHRITIS, DERMATITIS, AND UVEITIS, FAMILIAL; JABS SYNDROME; ARTHROCUTANEOUVEAL GRANULOMATOSIS. Identifiers: Orphanet 90340, MedGen C5201146, MONDO:0008523, OMIM 186580.

Submission:

Labcorp Genetics (formerly Invitae), Labcorp
Classification: Uncertain significance for Regional enteritis; Blau syndrome. Last evaluated: 2023-06-28. Review status: criteria provided, single submitter. Criteria: Invitae Variant Classification Sherloc (09022015). Collection method: clinical testing. Allele origin: germline.
Comment: This sequence change replaces histidine, which is basic and polar, with tyrosine, which is neutral and polar, at codon 313 of the NOD2 protein (p.His313Tyr). In summary, the available evidence is currently insufficient to determine the role of this variant in disease. Therefore, it has been classified as a Variant of Uncertain Significance. Advanced modeling of protein sequence and biophysical properties (such as structural, functional, and spatial information, amino acid conservation, physicochemical variation, residue mobility, and thermodynamic stability) performed at Invitae indicates that this missense variant is not expected to disrupt NOD2 protein function. ClinVar contains an entry for this variant (Variation ID: 1374010). This variant has not been reported in the literature in individuals affected with NOD2-related conditions. This variant is not present in population databases (gnomAD no frequency).

NM_001370466.1(NOD2):c.856C>T (p.His286Tyr)

Gene: NOD2 (nucleotide binding oligomerization domain containing 2; plus strand). Cytogenetic location: 16q12.1.
Variant type: single nucleotide variant.
Coding change: c.856C>T on transcript NM_001370466.1 (MANE Select); coding-DNA position 856, C replaced by T.
Protein change: p.His286Tyr; replaces histidine 286 with tyrosine.
Molecular consequence: missense variant. On other transcripts: non-coding transcript variant (1).
Genome position (GRCh38, 1-based): chr16:50,710,848, C>T. VCF-style: chr16-50710848-C-T. GRCh37 (hg19) VCF-style: chr16-50744759-C-T.
Other names: c.856C>T, p.His286Tyr (NM_001293557.2); c.937C>T, p.His313Tyr (NM_022162.3); short protein forms H286Y, H313Y.
Identifiers: ClinVar variation 1374010 (VCV001374010.8), dbSNP rs1462834850, ClinGen allele CA395867873.